The following is an entry in ClinVar:

NC_000022.11:g.40345714_40345716dup

Gene: ADSL (adenylosuccinate lyase; plus strand). Cytogenetic location: 22q13.1.
Variant type: Duplication.
Genome position: GRCh38 VCF-style: chr22-40345711-A-ACCT. GRCh37 (hg19) VCF-style: chr22-40741715-A-ACCT.
Identifiers: ClinVar variation 2122066 (VCV002122066.5), dbSNP rs2518074328, ClinGen allele CA2580099801.
Genomic context (GRCh38, chr22:40,345,711, plus strand): 5'-GACGGAGTCTCGCTCTGTCGCCCAGGCTGGAGTGCAGTGGCGCGATCTTGGCTCACTGCA[A>ACCT]CCTCCGCCTTCCGGGTTCAAGAAATTCTCCTGTCTCAGCCTCACAAGTAGCTGAGACTAC-3'

ClinVar aggregate classification (germline): Uncertain significance (1 of 4 stars; one submission).

Conditions:
Adenylosuccinate lyase deficiency (ADSLD). Also called: ADSL DEFICIENCY. Identifiers: Orphanet 46, MedGen C0268126, MONDO:0007068, OMIM 103050.

Submission:

Labcorp Genetics (formerly Invitae), Labcorp
Classification: Uncertain significance for Adenylosuccinate lyase deficiency. Last evaluated: 2022-09-07. Review status: criteria provided, single submitter. Criteria: Invitae Variant Classification Sherloc (09022015). Collection method: clinical testing. Allele origin: germline.
Comment: This variant occurs in a non-coding region of the ADSL gene. It does not change the encoded amino acid sequence of the ADSL protein. This variant is not present in population databases (gnomAD no frequency). This variant has not been reported in the literature in individuals affected with ADSL-related conditions. In summary, the available evidence is currently insufficient to determine the role of this variant in disease. Therefore, it has been classified as a Variant of Uncertain Significance.